The following is an entry in ClinVar:

ClinVar aggregate classification (germline): Uncertain significance (1 of 4 stars; one submission).

Allele frequency attached by ClinVar (database versions not stated): gnomAD exomes below 0.00001.

Submission:

Labcorp Genetics (formerly Invitae), Labcorp
Classification: Uncertain significance. Last evaluated: 2023-07-25. Review status: criteria provided, single submitter. Criteria: Invitae Variant Classification Sherloc (09022015). Collection method: clinical testing. Allele origin: germline.
Comment: This variant has not been reported in the literature in individuals affected with NOG-related conditions. This variant is not present in population databases (gnomAD no frequency). This sequence change replaces valine, which is neutral and non-polar, with methionine, which is neutral and non-polar, at codon 15 of the NOG protein (p.Val15Met). An algorithm developed to predict the effect of missense changes on protein structure and function (PolyPhen-2) suggests that this variant is likely to be tolerated. In summary, the available evidence is currently insufficient to determine the role of this variant in disease. Therefore, it has been classified as a Variant of Uncertain Significance.

NM_005450.6(NOG):c.43G>A (p.Val15Met)

Gene: NOG (noggin; plus strand). Cytogenetic location: 17q22.
Variant type: single nucleotide variant.
Coding change: c.43G>A on transcript NM_005450.6 (MANE Select); coding-DNA position 43, G replaced by A.
Protein change: p.Val15Met; replaces valine 15 with methionine.
Molecular consequence: missense variant.
Genome position (GRCh38, 1-based): chr17:56,594,266, G>A. VCF-style: chr17-56594266-G-A. GRCh37 (hg19) VCF-style: chr17-54671627-G-A.
Other names: short protein forms V15M.
Identifiers: ClinVar variation 2990171 (VCV002990171.3), dbSNP rs1279966877, ClinGen allele CA399964118.
Genomic context (GRCh38, chr17:56,594,266, plus strand): 5'-CGGGCGCGCGCCAGAGGCATGGAGCGCTGCCCCAGCCTAGGGGTCACCCTCTACGCCCTG[G>A]TGGTGGTCCTGGGGCTGCGGGCGACACCGGCCGGCGGCCAGCACTATCTCCACATCCGCC-3'
Protein context (NP_005441.1, residues 5-25): PSLGVTLYAL[Val15Met]VVLGLRATPA